The following is an entry in ClinVar:

ClinVar aggregate classification (germline): Uncertain significance (1 of 4 stars; one submission).

Conditions:
Hereditary cancer-predisposing syndrome. Also called: Hereditary neoplastic syndrome; Neoplastic Syndromes, Hereditary; Tumor predisposition; Hereditary Cancer Syndrome. Identifiers: Orphanet 140162, MedGen C0027672, MeSH D009386, MONDO:0015356.

Submission:

Ambry Genetics
Classification: Uncertain significance for Hereditary cancer-predisposing syndrome. Last evaluated: 2025-07-05. Review status: criteria provided, single submitter. Criteria: Ambry Variant Classification Scheme 2023. Collection method: clinical testing. Allele origin: germline.
Comment: The p.K1008M variant (also known as c.3023A>T), located in coding exon 25 of the POLE gene, results from an A to T substitution at nucleotide position 3023. The lysine at codon 1008 is replaced by methionine, an amino acid with similar properties. This amino acid position is conserved. In addition, the in silico prediction for this alteration is inconclusive. Based on the available evidence, the clinical significance of this variant remains unclear.

NM_006231.4(POLE):c.3023A>T (p.Lys1008Met)

Gene: POLE (DNA polymerase epsilon, catalytic subunit; minus strand). Cytogenetic location: 12q24.33.
Variant type: single nucleotide variant.
Coding change: c.3023A>T on transcript NM_006231.4 (MANE Select); coding-DNA position 3023, A replaced by T.
Protein change: p.Lys1008Met; replaces lysine 1008 with methionine.
Molecular consequence: missense variant.
Genome position (GRCh38, 1-based): chr12:132,661,006, T>A on the plus strand (A>T on the coding strand, the complement: POLE is on the minus strand). VCF-style: chr12-132661006-T-A. GRCh37 (hg19) VCF-style: chr12-133237592-T-A.
Other names: short protein forms K1008M.
Identifiers: ClinVar variation 4141151 (VCV004141151.1).